The following is an entry in ClinVar:

ClinVar aggregate classification (germline): Benign. Review status: criteria provided, multiple submitters, no conflicts (2 of 4 stars). 8 submissions from 8 submitters: Benign (8). Last evaluated 2026-02-04.

Conditions:
Charcot-Marie-Tooth disease type 4. Also called: Charcot-Marie-Tooth disease, type IV; Charcot-Marie-Tooth, Type 4. Identifiers: Orphanet 64749, MedGen C4082197, MONDO:0018995.
Charcot-Marie-Tooth disease. Also called: Charcot-Marie-Tooth Hereditary Neuropathy; Charcot-Marie-Tooth Neuropathy. Identifiers: Orphanet 166, MedGen C0007959, MONDO:0015626.
Charcot-Marie-Tooth disease type 4B2. Also called: CHARCOT-MARIE-TOOTH DISEASE, DEMYELINATING, TYPE 4B2; CHARCOT-MARIE-TOOTH DISEASE, WITH FOCALLY FOLDED MYELIN SHEATHS, AUTOSOMAL RECESSIVE, TYPE 4B2; Charcot-Marie-Tooth Neuropathy Type 4B2; CMT 4B2. Identifiers: Orphanet 99956, MedGen C1858278, MONDO:0011475, OMIM 604563.

Allele frequency attached by ClinVar (database versions not stated): TOPMed 0.07777; gnomAD 0.07978 and 0.08159; 1000 Genomes Project 0.08227; ESP Exome Variant Server 0.08229; 1000 Genomes Project 30x 0.08276; gnomAD exomes 0.09646; ExAC 0.09873.
gnomAD v4.1: 168,192 of 1,612,902 alleles (10%); highest among the groups gnomAD compares: East Asian, 15%; 9,267 homozygotes.

Submissions (8):

Labcorp Genetics (formerly Invitae), Labcorp
Classification: Benign for Charcot-Marie-Tooth disease type 4. Last evaluated: 2026-02-04. Review status: criteria provided, single submitter. Criteria: Invitae Variant Classification Sherloc (09022015). Collection method: clinical testing. Allele origin: germline.

Illumina Laboratory Services, Illumina
Classification: Benign for Charcot-Marie-Tooth disease type 4B2. Last evaluated: 2018-01-13. Review status: criteria provided, single submitter. Criteria: ICSL Variant Classification Criteria 13 December 2019. Collection method: clinical testing. Allele origin: germline.
Comment: This variant was observed in the ICSL laboratory as part of a predisposition screen in an ostensibly healthy population. It had not been previously curated by ICSL or reported in the Human Gene Mutation Database (HGMD: prior to June 1st, 2018), and was therefore a candidate for classification through an automated scoring system. Utilizing variant allele frequency, disease prevalence and penetrance estimates, and inheritance mode, an automated score was calculated to assess if this variant is too frequent to cause the disease. Based on the score and internal cut-off values, a variant classified as benign is not then subjected to further curation. The score for this variant resulted in a classification of benign for this disease.

Athena Diagnostics
Classification: Benign. Last evaluated: 2017-07-12. Review status: criteria provided, single submitter. Criteria: Athena Diagnostics Criteria. Collection method: clinical testing. Allele origin: germline.

Mayo Clinic Laboratories, Mayo Clinic
Classification: Benign. Last evaluated: 2016-03-02. Review status: criteria provided, single submitter. Criteria: ACMG Guidelines, 2015. Collection method: clinical testing. Allele origin: germline. Observed: 392 variant alleles.

GeneDx
Classification: Benign. Last evaluated: 2014-03-17. Review status: criteria provided, single submitter. Criteria: GeneDx Variant Classification (06012015). Collection method: clinical testing. Allele origin: germline. Affected: yes.
Comment: This variant is considered likely benign or benign based on one or more of the following criteria: it is a conservative change, it occurs at a poorly conserved position in the protein, it is predicted to be benign by multiple in silico algorithms, and/or has population frequency not consistent with disease.

Breakthrough Genomics
Classification: Benign. Review status: criteria provided, single submitter. Criteria: ACMG Guidelines, 2015. Collection method: not provided. Allele origin: germline. Inheritance: Autosomal recessive inheritance. Affected: yes.

Molecular Genetics Laboratory, London Health Sciences Centre
Classification: Benign for Charcot-Marie-Tooth disease. Review status: criteria provided, single submitter. Criteria: ACMG Guidelines, 2015. Collection method: clinical testing. Allele origin: germline. Affected: yes.

PreventionGenetics, part of Exact Sciences
Classification: Benign. Review status: criteria provided, single submitter. Criteria: ACMG Guidelines, 2015. Collection method: clinical testing. Allele origin: germline.

NM_030962.4(SBF2):c.3646C>G (p.Gln1216Glu)

Gene: SBF2 (SET binding factor 2; minus strand). Cytogenetic location: 11p15.4.
Variant type: single nucleotide variant.
Coding change: c.3646C>G on transcript NM_030962.4 (MANE Select); coding-DNA position 3646, C replaced by G.
Protein change: p.Gln1216Glu; replaces glutamine 1216 with glutamic acid.
Molecular consequence: missense variant.
Genome position (GRCh38, 1-based): chr11:9,832,230, G>C on the plus strand (C>G on the coding strand, the complement: SBF2 is on the minus strand). VCF-style: chr11-9832230-G-C. GRCh37 (hg19) VCF-style: chr11-9853777-G-C.
Other names: p.Q1216E:CAG>GAG; c.3646C>G, p.Gln1216Glu (NM_001386339.1); c.3517C>G, p.Gln1173Glu (NM_001386342.1); short protein forms Q1216E, Q1173E.
Identifiers: ClinVar variation 138965 (VCV000138965.19), dbSNP rs12574508, ClinGen allele CA293147.